The following is an entry in ClinVar:

NM_001330691.3(CEP78):c.896A>T (p.His299Leu)

Gene: CEP78 (centrosomal protein 78; plus strand). Cytogenetic location: 9q21.2.
Variant type: single nucleotide variant.
Coding change: c.896A>T on transcript NM_001330691.3 (MANE Select); coding-DNA position 896, A replaced by T.
Protein change: p.His299Leu; replaces histidine 299 with leucine.
Molecular consequence: missense variant.
Genome position (GRCh38, 1-based): chr9:78,248,294, A>T. VCF-style: chr9-78248294-A-T. GRCh37 (hg19) VCF-style: chr9-80863210-A-T.
Other names: c.896A>T, p.His299Leu (NM_001098802.3, NM_001330693.3, NM_001330694.2 and 4 more transcripts); c.896A>T (NM_001098802.1); short protein forms H299L.
Identifiers: ClinVar variation 1941015 (VCV001941015.6), dbSNP rs764085823, ClinGen allele CA5095078.

ClinVar aggregate classification (germline): Uncertain significance. Review status: criteria provided, multiple submitters, no conflicts (2 of 4 stars). 2 submissions from 2 submitters: Uncertain significance (2). Last evaluated 2025-08-31.

Conditions:
Inborn genetic diseases. Identifiers: MedGen C0950123, MeSH D030342.

Allele frequency attached by ClinVar (database versions not stated): gnomAD 0.00001; ExAC 0.00002.

Submissions (2):

Ambry Genetics
Classification: Uncertain significance for Inborn genetic diseases. Last evaluated: 2025-08-31. Review status: criteria provided, single submitter. Criteria: Ambry Variant Classification Scheme 2023. Collection method: clinical testing. Allele origin: germline.

Labcorp Genetics (formerly Invitae), Labcorp
Classification: Uncertain significance. Last evaluated: 2022-08-15. Review status: criteria provided, single submitter. Criteria: Invitae Variant Classification Sherloc (09022015). Collection method: clinical testing. Allele origin: germline.
Comment: Algorithms developed to predict the effect of missense changes on protein structure and function (SIFT, PolyPhen-2, Align-GVGD) all suggest that this variant is likely to be tolerated. This variant has not been reported in the literature in individuals affected with CEP78-related conditions. This variant is present in population databases (rs764085823, gnomAD 0.006%). This sequence change replaces histidine, which is basic and polar, with leucine, which is neutral and non-polar, at codon 299 of the CEP78 protein (p.His299Leu). In summary, the available evidence is currently insufficient to determine the role of this variant in disease. Therefore, it has been classified as a Variant of Uncertain Significance.